The following is an entry in ClinVar:

NM_033100.4(CDHR1):c.1737C>T (p.Ser579=)

Gene: CDHR1 (cadherin related family member 1; plus strand). Cytogenetic location: 10q23.1.
Variant type: single nucleotide variant.
Coding change: c.1737C>T on transcript NM_033100.4 (MANE Select); coding-DNA position 1737, C replaced by T.
Protein change: p.Ser579=; no amino-acid change (serine 579 retained).
Molecular consequence: synonymous variant.
Genome position (GRCh38, 1-based): chr10:84,212,362, C>T. VCF-style: chr10-84212362-C-T. GRCh37 (hg19) VCF-style: chr10-85972118-C-T.
Other names: c.1737C>T, p.Ser579= (NM_001171971.3); c.1737C>T (NM_033100.3).
Identifiers: ClinVar variation 1539579 (VCV001539579.10), dbSNP rs200215278, ClinGen allele CA5580029.

ClinVar aggregate classification (germline): Likely benign. Review status: criteria provided, multiple submitters, no conflicts (2 of 4 stars). 3 submissions from 3 submitters: Likely benign (3). Last evaluated 2026-08-14.

Conditions:
CDHR1-related disorder. Also called: CDHR1-related condition.

Allele frequency attached by ClinVar (database versions not stated): TOPMed 0.00003; 1000 Genomes Project 30x 0.00016; 1000 Genomes Project 0.00020.
gnomAD v4.1: 17 of 1,614,156 alleles (0.0011%); highest among the groups gnomAD compares: African/African-American, 0.004%; no homozygotes.

Submissions (3):

PreventionGenetics, part of Exact Sciences
Classification: Likely benign for CDHR1-related condition. Last evaluated: 2026-08-14. Review status: criteria provided, single submitter. Criteria: ACMG Guidelines, 2015. Collection method: clinical testing. Allele origin: germline.
Comment: This variant is classified as likely benign based on ACMG/AMP sequence variant interpretation guidelines (Richards et al. 2015 PMID: 25741868, with internal and published modifications).

Labcorp Genetics (formerly Invitae), Labcorp
Classification: Likely benign. Last evaluated: 2026-01-05. Review status: criteria provided, single submitter. Criteria: Invitae Variant Classification Sherloc (09022015). Collection method: clinical testing. Allele origin: germline.

Blueprint Genetics
Classification: Likely benign. Last evaluated: 2024-05-23. Review status: criteria provided, single submitter. Criteria: ACMG Guidelines, 2015. Collection method: clinical testing. Allele origin: germline.